The following is an entry in ClinVar:

NM_021101.5(CLDN1):c.473+5C>T

Genes: CLDN1 (claudin 1; minus strand), CLDN16 (claudin 16; plus strand). Cytogenetic location: 3q28.
Variant type: single nucleotide variant.
Coding change: c.473+5C>T on transcript NM_021101.5 (MANE Select); 5 bases into the intron after coding-DNA position 473, C replaced by T.
Molecular consequence: intron variant.
Genome position (GRCh38, 1-based): chr3:190,310,164, G>A on the plus strand (C>T on the coding strand, the complement: CLDN1 is on the minus strand). VCF-style: chr3-190310164-G-A. GRCh37 (hg19) VCF-style: chr3-190027953-G-A.
Other names: c.-445-4729G>A (NM_001378492.1); c.-279+19573G>A (NM_001378493.1).
Identifiers: ClinVar variation 2049783 (VCV002049783.4), dbSNP rs377184401, ClinGen allele CA2753529.

ClinVar aggregate classification (germline): Conflicting classifications of pathogenicity. Review status: criteria provided, conflicting classifications (1 of 4 stars). 2 submissions from 2 submitters: Uncertain significance (1); Benign (1). Last evaluated 2025-02-16.

Allele frequency attached by ClinVar (database versions not stated): TOPMed 0.00005; 1000 Genomes Project 30x 0.00016; gnomAD 0.00013; ESP Exome Variant Server 0.00008; ExAC 0.00009; 1000 Genomes Project 0.00020.
gnomAD v4.1: 107 of 1,611,502 alleles (0.0066%); highest among the groups gnomAD compares: South Asian, 0.033%; 1 homozygote.

Submissions (2):

Laboratory of Genetics, Children's Clinical University Hospital Latvia
Classification: Benign. Last evaluated: 2025-02-16. Review status: criteria provided, single submitter. Criteria: ACMG Guidelines, 2015. Collection method: clinical testing. Allele origin: germline. Affected: yes.

Labcorp Genetics (formerly Invitae), Labcorp
Classification: Uncertain significance. Last evaluated: 2024-10-08. Review status: criteria provided, single submitter. Criteria: Invitae Variant Classification Sherloc (09022015). Collection method: clinical testing. Allele origin: germline.
Comment: This sequence change falls in intron 3 of the CLDN1 gene. It does not directly change the encoded amino acid sequence of the CLDN1 protein. It affects a nucleotide within the consensus splice site. This variant is present in population databases (rs377184401, gnomAD 0.04%). This variant has not been reported in the literature in individuals affected with CLDN1-related conditions. ClinVar contains an entry for this variant (Variation ID: 2049783). Variants that disrupt the consensus splice site are a relatively common cause of aberrant splicing (PMID: 17576681, 9536098). Algorithms developed to predict the effect of sequence changes on RNA splicing suggest that this variant is not likely to affect RNA splicing. In summary, the available evidence is currently insufficient to determine the role of this variant in disease. Therefore, it has been classified as a Variant of Uncertain Significance.

Literature cited by the submitters: PubMed 17576681 (cited by Labcorp Genetics (formerly Invitae), Labcorp); PubMed 9536098 (cited by Labcorp Genetics (formerly Invitae), Labcorp).